The following is an entry in ClinVar:

ClinVar aggregate classification (germline): Uncertain significance (0 of 4 stars; one submission).

Conditions:
MAMLD1-related disorder. Also called: MAMLD1-related condition.

gnomAD v4.1: 6 of 1,152,640 alleles (0.00052%); highest among the groups gnomAD compares: South Asian, 0.0095%; no homozygotes.

Submission:

PreventionGenetics, part of Exact Sciences
Classification: Uncertain significance for MAMLD1-related condition. Last evaluated: 2024-09-12. Review status: no assertion criteria provided. Collection method: clinical testing. Allele origin: germline.
Comment: The MAMLD1 c.2935G>A variant is predicted to result in the amino acid substitution p.Ala979Thr. To our knowledge, this variant has not been reported in the literature or in a large population database, indicating this variant is rare. At this time, the clinical significance of this variant is uncertain due to the absence of conclusive functional and genetic evidence.

NM_005491.5(MAMLD1):c.*1052G>A

Gene: MAMLD1 (mastermind like domain containing 1; plus strand). Cytogenetic location: Xq28.
Variant type: single nucleotide variant.
Coding change: c.*1052G>A on transcript NM_005491.5 (MANE Select); 1052 bases downstream of the stop codon, G replaced by A.
Molecular consequence: 3 prime UTR variant. On other transcripts: missense variant (2).
Genome position (GRCh38, 1-based): chrX:150,513,011, G>A. VCF-style: chrX-150513011-G-A. GRCh37 (hg19) VCF-style: chrX-149681281-G-A.
Other names: c.2935G>A, p.Ala979Thr (NM_001177465.3); c.*1052G>A (NM_001177466.3, NM_001400513.1, NM_001400514.1 and 1 more transcripts); c.3010G>A, p.Ala1004Thr (NM_001400512.1); short protein forms A1004T, A979T.
Identifiers: ClinVar variation 3358611 (VCV003358611.1).
Genomic context (GRCh38, chrX:150,513,011, plus strand): 5'-CCAGATGAAGACTGGGTGTGCAACTTGAGGCTGATCGACGACATTTTGGAACAGCATGCT[G>A]CTGCTCAAAATGCCACAGCCCAGAATTCTGGGCAAGTCACCCAGGATGCTGGGGCACTTT-3'